The following is an entry in ClinVar:

NM_005188.4(CBL):c.590+20A>G

Gene: CBL (Cbl proto-oncogene; plus strand). Cytogenetic location: 11q23.3.
Variant type: single nucleotide variant.
Coding change: c.590+20A>G on transcript NM_005188.4 (MANE Select); 20 bases into the intron after coding-DNA position 590, A replaced by G.
Molecular consequence: intron variant.
Genome position (GRCh38, 1-based): chr11:119,271,901, A>G. VCF-style: chr11-119271901-A-G. GRCh37 (hg19) VCF-style: chr11-119142611-A-G.
Identifiers: ClinVar variation 1301355 (VCV001301355.10), dbSNP rs769677676, ClinGen allele CA6318297.

ClinVar aggregate classification (germline): Benign. Review status: criteria provided, multiple submitters, no conflicts (2 of 4 stars). 2 submissions from 2 submitters: Benign (2). Last evaluated 2026-01-19.

Conditions:
RASopathy. Also called: rasopathies; Noonan spectrum disorder. Identifiers: Orphanet 536391, MedGen C5555857, MONDO:0021060.

Allele frequency attached by ClinVar (database versions not stated): gnomAD exomes 0.00004 and 0.00019; gnomAD 0.00008 and 0.00009; ExAC 0.00017.
gnomAD v4.1: 70 of 1,611,708 alleles (0.0043%); highest among the groups gnomAD compares: Admixed American, 0.12%; no homozygotes.

Submissions (2):

Labcorp Genetics (formerly Invitae), Labcorp
Classification: Benign for RASopathy. Last evaluated: 2026-01-19. Review status: criteria provided, single submitter. Criteria: Invitae Variant Classification Sherloc (09022015). Collection method: clinical testing. Allele origin: germline.

Women's Health and Genetics/Laboratory Corporation of America, LabCorp
Classification: Benign. Last evaluated: 2024-12-18. Review status: criteria provided, single submitter. Criteria: LabCorp Variant Classification Summary - May 2015. Collection method: clinical testing. Allele origin: germline.
Comment: Variant summary: CBL c.590+20A>G alters a nucleotide located at a position not widely known to affect splicing. Consensus agreement among computation tools predict no significant impact on normal splicing. However, these predictions have yet to be confirmed by functional studies. The variant allele was found at a frequency of 0.00019 in 250076 control chromosomes, predominantly at a frequency of 0.0014 within the Latino subpopulation in the gnomAD database. The observed variant frequency within Latino control individuals in the gnomAD database exceeds the estimated maximal expected allele frequency for a pathogenic variant in CBL causing Noonan Syndrome-Like Disorder phenotype. To our knowledge, no occurrence of c.590+20A>G in individuals affected with Noonan Syndrome-Like Disorder and no experimental evidence demonstrating its impact on protein function have been reported. ClinVar contains an entry for this variant (Variation ID: 1301355). Based on the evidence outlined above, the variant was classified as benign.

Literature cited by the submitters: PubMed 20951944 (cited by Women's Health and Genetics/Laboratory Corporation of America, LabCorp); PubMed 19620960 (cited by Women's Health and Genetics/Laboratory Corporation of America, LabCorp); PubMed 29296819 (cited by Women's Health and Genetics/Laboratory Corporation of America, LabCorp); PubMed 27069254 (cited by Women's Health and Genetics/Laboratory Corporation of America, LabCorp).